The following is an entry in ClinVar:

ClinVar aggregate classification (germline): Uncertain significance (1 of 4 stars; one submission).

Allele frequency attached by ClinVar (database versions not stated): ExAC 0.00001.

Submission:

Labcorp Genetics (formerly Invitae), Labcorp
Classification: Uncertain significance. Last evaluated: 2024-04-08. Review status: criteria provided, single submitter. Criteria: Invitae Variant Classification Sherloc (09022015). Collection method: clinical testing. Allele origin: germline.
Comment: This sequence change replaces phenylalanine, which is neutral and non-polar, with serine, which is neutral and polar, at codon 306 of the FAM20A protein (p.Phe306Ser). This variant is not present in population databases (gnomAD no frequency). This variant has not been reported in the literature in individuals affected with FAM20A-related conditions. An algorithm developed to predict the effect of missense changes on protein structure and function (PolyPhen-2) suggests that this variant is likely to be disruptive. In summary, the available evidence is currently insufficient to determine the role of this variant in disease. Therefore, it has been classified as a Variant of Uncertain Significance.

NM_017565.4(FAM20A):c.917T>C (p.Phe306Ser)

Genes: FAM20A (FAM20A golgi associated secretory pathway pseudokinase; minus strand), PRKAR1A (protein kinase cAMP-dependent type I regulatory subunit alpha; plus strand). Cytogenetic location: 17q24.2.
Variant type: single nucleotide variant.
Coding change: c.917T>C on transcript NM_017565.4 (MANE Select); coding-DNA position 917, T replaced by C.
Protein change: p.Phe306Ser; replaces phenylalanine 306 with serine.
Molecular consequence: missense variant. On other transcripts: non-coding transcript variant (1), intron variant (1).
Genome position (GRCh38, 1-based): chr17:68,542,705, A>G on the plus strand (T>C on the coding strand, the complement: FAM20A is on the minus strand). VCF-style: chr17-68542705-A-G. GRCh37 (hg19) VCF-style: chr17-66538846-A-G.
Other names: c.503T>C, p.Phe168Ser (NM_001243746.2); c.974-8379A>G (NM_001276290.1); short protein forms F306S, F168S.
Identifiers: ClinVar variation 2807344 (VCV002807344.3), dbSNP rs756113231, ClinGen allele CA8729881.